The following is an entry in ClinVar:

ClinVar aggregate classification (germline): Pathogenic (1 of 4 stars; one submission).

Conditions:
Spastic Paraglegia 10.

Submission:

Women's Health and Genetics/Laboratory Corporation of America, LabCorp
Classification: Pathogenic for Spastic Paraglegia 10. Last evaluated: 2024-12-02. Review status: criteria provided, single submitter. Criteria: LabCorp Variant Classification Summary - May 2015. Collection method: clinical testing. Allele origin: germline.
Comment: Variant summary: KIF5A c.404_407delACTT (p.Tyr135LeufsX14) results in a premature termination codon, predicted to cause a truncation of the encoded protein or absence of the protein due to nonsense mediated decay, which are commonly known mechanisms for disease. The variant was absent in 251182 control chromosomes. To our knowledge, no occurrence of c.404_407delACTT in individuals affected with Spastic Paraglegia 10 and no experimental evidence demonstrating its impact on protein function have been reported. No submitters have cited clinical-significance assessments for this variant to ClinVar. Based on the evidence outlined above, the variant was classified as pathogenic.

NM_004984.4(KIF5A):c.404_407del (p.Tyr135fs)

Gene: KIF5A (kinesin family member 5A; plus strand). Cytogenetic location: 12q13.3.
Variant type: Deletion.
Coding change: c.404_407del on transcript NM_004984.4 (MANE Select); coding-DNA positions 404 to 407, 4 bases deleted (ACTT; older notation c.404_407delACTT).
Protein change: p.Tyr135fs; shifts the reading frame from tyrosine 135.
Molecular consequence: frameshift variant.
Genome position (GRCh38, 1-based): chr12:57,564,467-57,564,470, ACTT deleted; deleting any 4 consecutive bases within chr12:57,564,464-57,564,470 gives the same sequence; the c. name uses the placement nearest the transcript's 3' end. VCF-style (leftmost placement, unchanged base first): chr12-57564463-TCTTA-T. GRCh37 (hg19) VCF-style: chr12-57958246-TCTTA-T.
Other names: c.137_140del, p.Tyr46fs (NM_001354705.2); c.404_407delACTT (NM_004984.4); short protein forms Y135fs, Y46fs.
Identifiers: ClinVar variation 3768396 (VCV003768396.1).